The following is an entry in ClinVar:

NM_001103.4(ACTN2):c.241+135T>C

Gene: ACTN2 (actinin alpha 2; plus strand). Cytogenetic location: 1q43.
Variant type: single nucleotide variant.
Coding change: c.241+135T>C on transcript NM_001103.4 (MANE Select); 135 bases into the intron after coding-DNA position 241, T replaced by C.
Molecular consequence: intron variant.
Genome position (GRCh38, 1-based): chr1:236,718,107, T>C. VCF-style: chr1-236718107-T-C. GRCh37 (hg19) VCF-style: chr1-236881407-T-C.
Other names: c.-581+135T>C (NM_001278344.2); c.241+135T>C (NM_001278343.2).
Identifiers: ClinVar variation 672442 (VCV000672442.2), dbSNP rs10925203, ClinGen allele CA39709208.

ClinVar aggregate classification (germline): Benign. Review status: criteria provided, multiple submitters, no conflicts (2 of 4 stars). 2 submissions from 2 submitters: Benign (2). Last evaluated 2018-06-14.

Allele frequency attached by ClinVar (database versions not stated): gnomAD 0.05493 and 0.05665; TOPMed 0.05672; 1000 Genomes Project 0.06869; 1000 Genomes Project 30x 0.07402.

Submissions (2):

GeneDx
Classification: Benign. Last evaluated: 2018-06-14. Review status: criteria provided, single submitter. Criteria: GeneDx Variant Classification (06012015). Collection method: clinical testing. Allele origin: germline. Affected: yes.
Comment: This variant is considered likely benign or benign based on one or more of the following criteria: it is a conservative change, it occurs at a poorly conserved position in the protein, it is predicted to be benign by multiple in silico algorithms, and/or has population frequency not consistent with disease.

Breakthrough Genomics
Classification: Benign. Review status: criteria provided, single submitter. Criteria: ACMG Guidelines, 2015. Collection method: not provided. Allele origin: germline. Inheritance: Autosomal dominant inheritance. Affected: yes.